The following is an entry in ClinVar:

ClinVar aggregate classification (germline): Conflicting classifications of pathogenicity. Review status: criteria provided, conflicting classifications (1 of 4 stars). 4 submissions from 4 submitters: Uncertain significance (1); Likely benign (2). 1 of the submissions does not count toward it. Last evaluated 2026-04-10.

Conditions:
Amyotrophic lateral sclerosis (ALS). Also called: Lou Gehrig disease; Charcot disease. Identifiers: Orphanet 803, MedGen C0002736, MONDO:0004976, HP:0007354.
TAF15-related disorder. Also called: TAF15-related condition.

Submissions (4):

Department of Neurology, Brain Research Institute, Niigata University
Classification: Uncertain significance for Amyotrophic lateral sclerosis. Last evaluated: 2026-04-10. Review status: criteria provided, single submitter. Criteria: ACMG Guidelines, 2015. Collection method: research. Allele origin: unknown. Affected: yes.

Mayo Clinic Laboratories, Mayo Clinic
Classification: Likely benign. Last evaluated: 2025-01-30. Review status: criteria provided, single submitter. Criteria: ACMG Guidelines, 2015. Collection method: clinical testing. Allele origin: germline. Observed: 1 variant allele.
Comment: BS2, BP3

GeneDx
Classification: Likely benign. Last evaluated: 2020-07-22. Review status: criteria provided, single submitter. Criteria: GeneDx Variant Classification Process June 2021. Collection method: clinical testing. Allele origin: germline. Affected: yes.

PreventionGenetics, part of Exact Sciences
Classification: Likely benign for TAF15-related condition. Last evaluated: 2022-12-12. Review status: no assertion criteria provided. Collection method: clinical testing. Allele origin: germline. Not counted in ClinVar's aggregate classification.
Comment: This variant is classified as likely benign based on ACMG/AMP sequence variant interpretation guidelines (Richards et al. 2015 PMID: 25741868, with internal and published modifications).

NM_139215.3(TAF15):c.1392_1415dup (p.454GYGGDRGG[5])

Gene: TAF15 (TATA-box binding protein associated factor 15; plus strand). Cytogenetic location: 17q12.
Variant type: Duplication.
Coding change: c.1392_1415dup on transcript NM_139215.3 (MANE Select); coding-DNA positions 1392 to 1415, 24 bases duplicated (TGGGGACAGAGGAGGCGGCTATGG).
Protein change: p.454GYGGDRGG[5].
Molecular consequence: inframe insertion.
Genome position (GRCh38, 1-based): chr17:35,844,691-35,844,714, TGGGGACAGAGGAGGCGGCTATGG duplicated; duplicating any 24 consecutive bases within chr17:35,844,680-35,844,714 gives the same sequence; the c. name uses the placement nearest the transcript's 3' end. VCF-style (leftmost placement, unchanged base first): chr17-35844679-C-CGGCGGCTATGGTGGGGACAGAGGA. GRCh37 (hg19) VCF-style: chr17-34171683-C-CGGCGGCTATGGTGGGGACAGAGGA.
Other names: p.Gly478_Gly485dup; c.1383_1406dup, p.451GYGGDRGG[5] (NM_003487.4); c.1392_1415dup24 (NM_139215.2).
Identifiers: ClinVar variation 1199112 (VCV001199112.6), dbSNP rs762946549, ClinGen allele CA290041370.
Genomic context (GRCh38, chr17:35,844,679, plus strand): 5'-TAGAAGTGGGGGCGGCTATGGTGGAGACAGAAGTGGGGGTGGCTATGGTGGGGACAGAGG[C>CGGCGGCTATGGTGGGGACAGAGGA]GGCGGCTATGGTGGGGACAGAGGAGGCGGCTATGGAGGAGACCGAGGAGGTGGCTATGGA-3'